The following is an entry in ClinVar:

NM_018109.4(MTPAP):c.346G>A (p.Val116Ile)

Gene: MTPAP (mitochondrial poly(A) polymerase; minus strand). Cytogenetic location: 10p11.23.
Variant type: single nucleotide variant.
Coding change: c.346G>A on transcript NM_018109.4 (MANE Select); coding-DNA position 346, G replaced by A.
Protein change: p.Val116Ile; replaces valine 116 with isoleucine.
Molecular consequence: missense variant.
Genome position (GRCh38, 1-based): chr10:30,340,435, C>T on the plus strand (G>A on the coding strand, the complement: MTPAP is on the minus strand). VCF-style: chr10-30340435-C-T. GRCh37 (hg19) VCF-style: chr10-30629364-C-T.
Other names: short protein forms V116I.
Identifiers: ClinVar variation 447743 (VCV000447743.6), dbSNP rs560622337, ClinGen allele CA5459210.
Genomic context (GRCh38, chr10:30,340,435, plus strand): 5'-TGCTTGGAGTATGAGTCCCATTCTGCAGTGAACCTATGCTTTCCTTTTGGCAAAATTCTA[C>T]GACAGCATAGAGACCCTATACCAAAAACATAAGAAAAAACAGAACACATTTCACGATATA-3'
Protein context (NP_060579.3, residues 106-126): FYESFGLYAV[Val116Ile]EFCQKESIGS

ClinVar aggregate classification (germline): Uncertain significance. Review status: criteria provided, multiple submitters, no conflicts (2 of 4 stars). 4 submissions from 4 submitters: Uncertain significance (4). Last evaluated 2024-12-07.

Conditions:
Inborn genetic diseases. Identifiers: MedGen C0950123, MeSH D030342.
Spastic ataxia 4. Identifiers: Orphanet 254343, MedGen C3150925, MONDO:0013354, OMIM 613672.

Allele frequency attached by ClinVar (database versions not stated): gnomAD exomes 0.00006 and 0.00009; ExAC 0.00007; TOPMed 0.00007; gnomAD 0.00009.
gnomAD v4.1: 147 of 1,613,764 alleles (0.0091%); highest among the groups gnomAD compares: Non-Finnish European, 0.012%; no homozygotes.

Submissions (4):

Ambry Genetics
Classification: Uncertain significance for Inborn genetic diseases. Last evaluated: 2024-12-07. Review status: criteria provided, single submitter. Criteria: Ambry Variant Classification Scheme 2023. Collection method: clinical testing. Allele origin: germline.

Labcorp Genetics (formerly Invitae), Labcorp
Classification: Uncertain significance. Last evaluated: 2022-10-25. Review status: criteria provided, single submitter. Criteria: Invitae Variant Classification Sherloc (09022015). Collection method: clinical testing. Allele origin: germline.
Comment: This sequence change replaces valine, which is neutral and non-polar, with isoleucine, which is neutral and non-polar, at codon 116 of the MTPAP protein (p.Val116Ile). This variant is present in population databases (rs560622337, gnomAD 0.01%). This variant has not been reported in the literature in individuals affected with MTPAP-related conditions. ClinVar contains an entry for this variant (Variation ID: 447743). Algorithms developed to predict the effect of missense changes on protein structure and function output the following: SIFT: "Tolerated"; PolyPhen-2: "Benign"; Align-GVGD: "Class C0". The isoleucine amino acid residue is found in multiple mammalian species, which suggests that this missense change does not adversely affect protein function. In summary, the available evidence is currently insufficient to determine the role of this variant in disease. Therefore, it has been classified as a Variant of Uncertain Significance.

Athena Diagnostics
Classification: Uncertain significance. Last evaluated: 2022-10-03. Review status: criteria provided, single submitter. Criteria: Athena Diagnostics Criteria. Collection method: clinical testing. Allele origin: unknown.
Comment: Available data are insufficient to determine the clinical significance of the variant at this time. The frequency of this variant in the general population is uninformative in assessment of its pathogenicity. Computational tools predict that this variant is not damaging.

Fulgent Genetics
Classification: Uncertain significance for Spastic ataxia 4. Last evaluated: 2018-10-31. Review status: criteria provided, single submitter. Criteria: ACMG Guidelines, 2015. Collection method: clinical testing. Allele origin: unknown.